The following is an entry in ClinVar:

ClinVar aggregate classification (germline): Uncertain significance (1 of 4 stars; one submission).

Submission:

Ambry Genetics
Classification: Uncertain significance. Last evaluated: 2026-08-15. Review status: criteria provided, single submitter. Criteria: Ambry Variant Classification Scheme 2023. Collection method: clinical testing. Allele origin: germline.
Comment: The p.L36P variant (also known as c.107T>C), located in coding exon 2 of the RAD51B gene, results from a T to C substitution at nucleotide position 107. The leucine at codon 36 is replaced by proline, an amino acid with similar properties. This amino acid position is conserved. In addition, this alteration is predicted to be deleterious by in silico analysis. Based on the available evidence, the clinical significance of this variant remains unclear.

NM_133510.4(RAD51B):c.107T>C (p.Leu36Pro)

Gene: RAD51B (RAD51 paralog B; plus strand). Cytogenetic location: 14q24.1.
Variant type: single nucleotide variant.
Coding change: c.107T>C on transcript NM_133510.4 (MANE Select); coding-DNA position 107, T replaced by C.
Protein change: p.Leu36Pro; replaces leucine 36 with proline.
Molecular consequence: missense variant. On other transcripts: 5 prime UTR variant (2).
Genome position (GRCh38, 1-based): chr14:67,825,486, T>C. VCF-style: chr14-67825486-T-C. GRCh37 (hg19) VCF-style: chr14-68292203-T-C.
Other names: c.107T>C, p.Leu36Pro (NM_001321809.2, NM_001321810.2, NM_001321812.1 and 6 more transcripts); c.-8T>C (NM_001321815.1); c.-349T>C (NM_001321817.2); short protein forms L36P.
Identifiers: ClinVar variation 5027789 (VCV005027789.1).